The following is an entry in ClinVar:

NM_018489.3(ASH1L):c.2541A>G (p.Leu847=)

Gene: ASH1L (ASH1 like histone lysine methyltransferase; minus strand). Cytogenetic location: 1q22.
Variant type: single nucleotide variant.
Coding change: c.2541A>G on transcript NM_018489.3 (MANE Select); coding-DNA position 2541, A replaced by G.
Protein change: p.Leu847=; no amino-acid change (leucine 847 retained).
Molecular consequence: synonymous variant.
Genome position (GRCh38, 1-based): chr1:155,480,329, T>C on the plus strand (A>G on the coding strand, the complement: ASH1L is on the minus strand). VCF-style: chr1-155480329-T-C. GRCh37 (hg19) VCF-style: chr1-155450120-T-C.
Other names: c.2541A>G, p.Leu847= (NM_001366177.2).
Identifiers: ClinVar variation 3036629 (VCV003036629.2), dbSNP rs776344909, ClinGen allele CA1147190.

ClinVar aggregate classification (germline): Likely benign (0 of 4 stars; one submission).

Conditions:
ASH1L-related disorder. Also called: ASH1L-related condition.

Allele frequency attached by ClinVar (database versions not stated): ExAC 0.00001; gnomAD 0.00001; TOPMed 0.00002.
gnomAD v4.1: 1 of 1,613,786 alleles (0.000062%); highest among the groups gnomAD compares: Admixed American, 0.0017%; no homozygotes.

Submission:

PreventionGenetics, part of Exact Sciences
Classification: Likely benign for ASH1L-related condition. Last evaluated: 2022-10-26. Review status: no assertion criteria provided. Collection method: clinical testing. Allele origin: germline.
Comment: This variant is classified as likely benign based on ACMG/AMP sequence variant interpretation guidelines (Richards et al. 2015 PMID: 25741868, with internal and published modifications).